The following is an entry in ClinVar:

NM_172369.5(C1QC):c.215A>C (p.Lys72Thr)

Gene: C1QC (complement C1q C chain; plus strand). Cytogenetic location: 1p36.12.
Variant type: single nucleotide variant.
Coding change: c.215A>C on transcript NM_172369.5 (MANE Select); coding-DNA position 215, A replaced by C.
Protein change: p.Lys72Thr; replaces lysine 72 with threonine.
Molecular consequence: missense variant. On other transcripts: 5 prime UTR variant (1).
Genome position (GRCh38, 1-based): chr1:22,647,260, A>C. VCF-style: chr1-22647260-A-C. GRCh37 (hg19) VCF-style: chr1-22973753-A-C.
Other names: c.215A>C, p.Lys72Thr (NM_001114101.3, NM_001347619.2); c.-53A>C (NM_001347620.2); c.215A>C (NM_172369.3); short protein forms K72T.
Identifiers: ClinVar variation 2055404 (VCV002055404.3), dbSNP rs778430178, ClinGen allele CA677931.

ClinVar aggregate classification (germline): Uncertain significance. Review status: criteria provided, multiple submitters, no conflicts (2 of 4 stars). 2 submissions from 2 submitters: Uncertain significance (2). Last evaluated 2025-10-27.

Conditions:
Inborn genetic diseases. Identifiers: MedGen C0950123, MeSH D030342.

Allele frequency attached by ClinVar (database versions not stated): gnomAD 0.00003; ExAC 0.00002; TOPMed 0.00004; gnomAD exomes 0.00005.
gnomAD v4.1: 83 of 1,610,064 alleles (0.0052%); highest among the groups gnomAD compares: Non-Finnish European, 0.0068%; no homozygotes.

Submissions (2):

Ambry Genetics
Classification: Uncertain significance for Inborn genetic diseases. Last evaluated: 2025-10-27. Review status: criteria provided, single submitter. Criteria: Ambry Variant Classification Scheme 2023. Collection method: clinical testing. Allele origin: germline.

Labcorp Genetics (formerly Invitae), Labcorp
Classification: Uncertain significance. Last evaluated: 2023-08-10. Review status: criteria provided, single submitter. Criteria: Invitae Variant Classification Sherloc (09022015). Collection method: clinical testing. Allele origin: germline.
Comment: ClinVar contains an entry for this variant (Variation ID: 2055404). This variant has not been reported in the literature in individuals affected with C1QC-related conditions. This variant is present in population databases (rs778430178, gnomAD 0.002%). This sequence change replaces lysine, which is basic and polar, with threonine, which is neutral and polar, at codon 72 of the C1QC protein (p.Lys72Thr). An algorithm developed to predict the effect of missense changes on protein structure and function (PolyPhen-2) suggests that this variant is likely to be disruptive. In summary, the available evidence is currently insufficient to determine the role of this variant in disease. Therefore, it has been classified as a Variant of Uncertain Significance.